The following is an entry in ClinVar:

ClinVar aggregate classification (germline): Pathogenic (1 of 4 stars; one submission).

Conditions:
Galactosylceramide beta-galactosidase deficiency. Also called: Leukodystrophy, Globoid Cell; GALACTOCEREBROSIDASE DEFICIENCY; GALC DEFICIENCY; GLOBOID CELL LEUKOENCEPHALOPATHY; Krabbe Disease. Identifiers: Orphanet 487, MedGen C0023521, MONDO:0009499, OMIM 245200.

Submission:

Labcorp Genetics (formerly Invitae), Labcorp
Classification: Pathogenic for Galactosylceramide beta-galactosidase deficiency. Last evaluated: 2019-03-26. Review status: criteria provided, single submitter. Criteria: Invitae Variant Classification Sherloc (09022015). Collection method: clinical testing. Allele origin: germline.
Comment: This variant has not been reported in the literature in individuals with GALC-related conditions. For these reasons, this variant has been classified as Pathogenic. Loss-of-function variants in GALC are known to be pathogenic (PMID: 7437911, 9272171, 16607461). This variant is not present in population databases (ExAC no frequency). This sequence change creates a premature translational stop signal (p.Leu71Serfs*18) in the GALC gene. It is expected to result in an absent or disrupted protein product.

Literature cited by the submitters: PubMed 7437911; PubMed 9272171; PubMed 16607461.

NM_000153.4(GALC):c.210dup (p.Leu71fs)

Gene: GALC (galactosylceramidase; minus strand). Cytogenetic location: 14q31.3.
Variant type: Duplication.
Coding change: c.210dup on transcript NM_000153.4 (MANE Select); coding-DNA position 210, one base duplicated (T; older notation c.210dupT).
Protein change: p.Leu71fs; shifts the reading frame from leucine 71.
Molecular consequence: frameshift variant. On other transcripts: intron variant (1).
Genome position (GRCh38, 1-based): chr14:87,988,509, A duplicated on the plus strand (T on the coding strand, the reverse complement: GALC is on the minus strand); the first of 2 consecutive A bases (chr14:87,988,509-87,988,510); duplicating either gives the same sequence. VCF-style (leftmost placement, unchanged base first): chr14-87988508-G-GA. GRCh37 (hg19) VCF-style: chr14-88454852-G-GA.
Other names: c.132dup, p.Leu45fs (NM_001201402.2); c.196-302dup (NM_001201401.2); short protein forms L71fs, L45fs.
Identifiers: ClinVar variation 947889 (VCV000947889.8), dbSNP rs1887064841, ClinGen allele CA1139663601.